The following is an entry in ClinVar:

NM_024596.5(MCPH1):c.1538C>G (p.Ala513Gly)

Gene: MCPH1 (microcephalin 1; plus strand). Cytogenetic location: 8p23.1.
Variant type: single nucleotide variant.
Coding change: c.1538C>G on transcript NM_024596.5 (MANE Select); coding-DNA position 1538, C replaced by G.
Protein change: p.Ala513Gly; replaces alanine 513 with glycine.
Molecular consequence: missense variant. On other transcripts: non-coding transcript variant (1).
Genome position (GRCh38, 1-based): chr8:6,445,260, C>G. VCF-style: chr8-6445260-C-G. GRCh37 (hg19) VCF-style: chr8-6302781-C-G.
Other names: c.1538C>G, p.Ala513Gly (NM_001172574.2, NM_001322042.2, NM_001363979.1 and 1 more transcripts); c.1394C>G, p.Ala465Gly (NM_001172575.2); c.1532C>G, p.Ala511Gly (NM_001322043.2); c.1436C>G, p.Ala479Gly (NM_001322045.2); short protein forms A511G, A513G, A465G, A479G.
Identifiers: ClinVar variation 1466471 (VCV001466471.5), dbSNP rs774647639, ClinGen allele CA4610581.

ClinVar aggregate classification (germline): Uncertain significance (1 of 4 stars; one submission).

Allele frequency attached by ClinVar (database versions not stated): gnomAD exomes 0.00001; ExAC 0.00002.
gnomAD v4.1: 12 of 1,614,178 alleles (0.00074%); highest among the groups gnomAD compares: South Asian, 0.011%; no homozygotes.

Submission:

Labcorp Genetics (formerly Invitae), Labcorp
Classification: Uncertain significance. Last evaluated: 2021-12-24. Review status: criteria provided, single submitter. Criteria: Invitae Variant Classification Sherloc (09022015). Collection method: clinical testing. Allele origin: germline.
Comment: This sequence change replaces alanine, which is neutral and non-polar, with glycine, which is neutral and non-polar, at codon 513 of the MCPH1 protein (p.Ala513Gly). This variant is present in population databases (rs774647639, gnomAD 0.003%). This variant has not been reported in the literature in individuals affected with MCPH1-related conditions. Algorithms developed to predict the effect of missense changes on protein structure and function are either unavailable or do not agree on the potential impact of this missense change (SIFT: "Not Available"; PolyPhen-2: "Probably Damaging"; Align-GVGD: "Not Available"). In summary, the available evidence is currently insufficient to determine the role of this variant in disease. Therefore, it has been classified as a Variant of Uncertain Significance.